The following is an entry in ClinVar:

NM_052947.4(ALPK2):c.2927C>A (p.Ala976Asp)

Gene: ALPK2 (alpha kinase 2; minus strand). Cytogenetic location: 18q21.31.
Variant type: single nucleotide variant.
Coding change: c.2927C>A on transcript NM_052947.4 (MANE Select); coding-DNA position 2927, C replaced by A.
Protein change: p.Ala976Asp; replaces alanine 976 with aspartic acid.
Molecular consequence: missense variant.
Genome position (GRCh38, 1-based): chr18:58,537,260, G>T on the plus strand (C>A on the coding strand, the complement: ALPK2 is on the minus strand). VCF-style: chr18-58537260-G-T. GRCh37 (hg19) VCF-style: chr18-56204492-G-T.
Other names: short protein forms A976D.
Identifiers: ClinVar variation 1797755 (VCV001797755.2), dbSNP rs755102432, ClinGen allele CA402569474.
Genomic context (GRCh38, chr18:58,537,260, plus strand): 5'-TTATTAGCAGTTAATGTTGTTGGCTTCTCCCAAGGAAAACTCACAATTGAACTATAACTG[G>T]CTGGTGTGGCTGTGGTGTCTGCGGCACTAGGACTGGGGCTCTTGTCACCTCCTTCTTTAA-3'
Protein context (NP_443179.3, residues 966-986): PSAADTTATP[Ala976Asp]SYSSIVSFPW

ClinVar aggregate classification (germline): Uncertain significance (1 of 4 stars; one submission).

Submission:

Ambry Genetics
Classification: Uncertain significance. Last evaluated: 2021-11-02. Review status: criteria provided, single submitter. Criteria: Ambry Variant Classification Scheme 2023. Collection method: clinical testing. Allele origin: germline.
Comment: The p.A976D variant (also known as c.2927C>A), located in coding exon 4 of the ALPK2 gene, results from a C to A substitution at nucleotide position 2927. The alanine at codon 976 is replaced by aspartic acid, an amino acid with dissimilar properties. This amino acid position is conserved. In addition, this alteration is predicted to be tolerated by in silico analysis. Since supporting evidence is limited at this time, the clinical significance of this alteration remains unclear.